The following is an entry in ClinVar:

ClinVar aggregate classification (germline): Uncertain significance. Review status: criteria provided, multiple submitters, no conflicts (2 of 4 stars). 4 submissions from 4 submitters: Uncertain significance (3). 1 of the submissions does not count toward it. Last evaluated 2023-08-24.

Conditions:
Cardiomyopathy (CMYO). Also called: Cardiomyopathies. Identifiers: Orphanet 167848, MedGen C0878544, MONDO:0004994, HP:0001638. Inheritance: Various modes of inheritance.
Becker muscular dystrophy (BMD). Also called: MUSCULAR DYSTROPHY, PSEUDOHYPERTROPHIC PROGRESSIVE, BECKER TYPE; Becker Muscular Dystrophy (BMD). Identifiers: Orphanet 98895, MedGen C0917713, MONDO:0010311, OMIM 300376.
Duchenne muscular dystrophy (DMD). Also called: Duchenne Muscular Dystrophy (DMD); MUSCULAR DYSTROPHY, PSEUDOHYPERTROPHIC PROGRESSIVE, DUCHENNE TYPE. Identifiers: Orphanet 98896, MedGen C0013264, MONDO:0010679, OMIM 310200.
Dystrophin deficiency.

Allele frequency attached by ClinVar (database versions not stated): gnomAD 0.00001; TOPMed 0.00002.

Submissions (4):

Clinical Genetics Laboratory, Skane University Hospital Lund
Classification: Uncertain significance. Last evaluated: 2023-08-24. Review status: criteria provided, single submitter. Criteria: ACMG Guidelines, 2015. Collection method: clinical testing. Allele origin: germline. Affected: yes.

Labcorp Genetics (formerly Invitae), Labcorp
Classification: Uncertain significance for Duchenne muscular dystrophy. Last evaluated: 2022-04-28. Review status: criteria provided, single submitter. Criteria: Invitae Variant Classification Sherloc (09022015). Collection method: clinical testing. Allele origin: germline.
Comment: This sequence change replaces isoleucine, which is neutral and non-polar, with asparagine, which is neutral and polar, at codon 228 of the DMD protein (p.Ile228Asn). This variant is not present in population databases (gnomAD no frequency). This variant has not been reported in the literature in individuals affected with DMD-related conditions. ClinVar contains an entry for this variant (Variation ID: 286585). Algorithms developed to predict the effect of missense changes on protein structure and function (SIFT, PolyPhen-2, Align-GVGD) all suggest that this variant is likely to be disruptive. In summary, the available evidence is currently insufficient to determine the role of this variant in disease. Therefore, it has been classified as a Variant of Uncertain Significance.

Eurofins Ntd Llc (ga)
Classification: Uncertain significance. Last evaluated: 2016-03-10. Review status: criteria provided, single submitter. Criteria: EGL Classification Definitions 2015. Collection method: clinical testing. Allele origin: germline. Observed: 1 variant allele, 1 heterozygote.

Natera, Inc.
Classification: Uncertain significance for Becker muscular dystrophy; Cardiomyopathy; Duchenne muscular dystrophy; Dystrophin deficiency. Last evaluated: 2019-08-23. Review status: no assertion criteria provided. Collection method: clinical testing. Allele origin: germline. Not counted in ClinVar's aggregate classification.

NM_004006.3(DMD):c.683T>A (p.Ile228Asn)

Gene: DMD (dystrophin; minus strand). Cytogenetic location: Xp21.1.
Variant type: single nucleotide variant.
Coding change: c.683T>A on transcript NM_004006.3 (MANE Select); coding-DNA position 683, T replaced by A.
Protein change: p.Ile228Asn; replaces isoleucine 228 with asparagine.
Molecular consequence: missense variant.
Genome position (GRCh38, 1-based): chrX:32,699,260, A>T on the plus strand (T>A on the coding strand, the complement: DMD is on the minus strand). VCF-style: chrX-32699260-A-T. GRCh37 (hg19) VCF-style: chrX-32717377-A-T.
Other names: c.659T>A, p.Ile220Asn (NM_000109.4); c.671T>A, p.Ile224Asn (NM_004009.3); c.314T>A, p.Ile105Asn (NM_004010.3); short protein forms I228N, I105N, I220N, I224N.
Identifiers: ClinVar variation 286585 (VCV000286585.9), dbSNP rs886043430, ClinGen allele CA10605513.
Genomic context (GRCh38, chrX:32,699,260, plus strand): 5'-ATGGCTTCAATGCTCACTTGTTGAGGCAAAACTTGGAAGAGTGATGTGATGTACATTAAG[A>T]TGGACTTCTTATCTGGATAGGTGGTATCAACATCTGTAAGCACATTAACACTACACATCA-3'
Protein context (NP_003997.2, residues 218-238): VDTTYPDKKS[Ile228Asn]LMYITSLFQV